The following is an entry in ClinVar:

NM_001558.4(IL10RA):c.89C>T (p.Pro30Leu)

Gene: IL10RA (interleukin 10 receptor subunit alpha; plus strand). Cytogenetic location: 11q23.3.
Variant type: single nucleotide variant.
Coding change: c.89C>T on transcript NM_001558.4 (MANE Select); coding-DNA position 89, C replaced by T.
Protein change: p.Pro30Leu; replaces proline 30 with leucine.
Molecular consequence: missense variant. On other transcripts: non-coding transcript variant (1).
Genome position (GRCh38, 1-based): chr11:117,988,403, C>T. VCF-style: chr11-117988403-C-T. GRCh37 (hg19) VCF-style: chr11-117859118-C-T.
Other names: short protein forms P30L.
Identifiers: ClinVar variation 878727 (VCV000878727.33), dbSNP rs749622044, ClinGen allele CA6298831.

ClinVar aggregate classification (germline): Conflicting classifications of pathogenicity. Review status: criteria provided, conflicting classifications (1 of 4 stars). 5 submissions from 5 submitters: Uncertain significance (4); Likely benign (1). Last evaluated 2023-08-24.

Conditions:
Inflammatory bowel disease 28. Also called: Inflammatory bowel disease 28, early onset, autosomal recessive. Identifiers: Orphanet 238569, MedGen C2751053, MONDO:0013153, OMIM 613148.

Allele frequency attached by ClinVar (database versions not stated): gnomAD exomes 0.00004 and 0.00007; TOPMed 0.00005; ExAC 0.00006; gnomAD 0.00006.
gnomAD v4.1: 65 of 1,614,070 alleles (0.004%); highest among the groups gnomAD compares: East Asian, 0.045%; no homozygotes.

Submissions (5):

Labcorp Genetics (formerly Invitae), Labcorp
Classification: Uncertain significance for Inflammatory bowel disease 28. Last evaluated: 2023-08-24. Review status: criteria provided, single submitter. Criteria: Invitae Variant Classification Sherloc (09022015). Collection method: clinical testing. Allele origin: germline.
Comment: This sequence change replaces proline, which is neutral and non-polar, with leucine, which is neutral and non-polar, at codon 30 of the IL10RA protein (p.Pro30Leu). This variant is present in population databases (rs749622044, gnomAD 0.1%). This variant has not been reported in the literature in individuals affected with IL10RA-related conditions. ClinVar contains an entry for this variant (Variation ID: 878727). Advanced modeling of protein sequence and biophysical properties (such as structural, functional, and spatial information, amino acid conservation, physicochemical variation, residue mobility, and thermodynamic stability) performed at Invitae indicates that this missense variant is not expected to disrupt IL10RA protein function. In summary, the available evidence is currently insufficient to determine the role of this variant in disease. Therefore, it has been classified as a Variant of Uncertain Significance.

CeGaT Center for Human Genetics Tuebingen
Classification: Likely benign. Last evaluated: 2023-07-01. Review status: criteria provided, single submitter. Criteria: CeGaT Center For Human Genetics Tuebingen Variant Classification Criteria Version 2. Collection method: clinical testing. Allele origin: germline. Affected: yes. Observed: 1 variant allele.
Comment: IL10RA: BP4

Fulgent Genetics
Classification: Uncertain significance for Inflammatory bowel disease 28. Last evaluated: 2022-01-10. Review status: criteria provided, single submitter. Criteria: ACMG Guidelines, 2015. Collection method: clinical testing. Allele origin: unknown.

Illumina Laboratory Services, Illumina
Classification: Uncertain significance for Inflammatory bowel disease 28. Last evaluated: 2018-01-12. Review status: criteria provided, single submitter. Criteria: ICSL Variant Classification Criteria 13 December 2019. Collection method: clinical testing. Allele origin: germline.

Breakthrough Genomics
Classification: Uncertain significance. Review status: criteria provided, single submitter. Criteria: ACMG Guidelines, 2015. Collection method: not provided. Allele origin: germline. Inheritance: Autosomal recessive inheritance. Affected: yes.